The following is an entry in ClinVar:

NM_005554.4(KRT6A):c.513C>A (p.Asn171Lys)

Gene: KRT6A (keratin 6A; minus strand). Cytogenetic location: 12q13.13.
Variant type: single nucleotide variant.
Coding change: c.513C>A on transcript NM_005554.4 (MANE Select); coding-DNA position 513, C replaced by A.
Protein change: p.Asn171Lys; replaces asparagine 171 with lysine.
Molecular consequence: missense variant.
Genome position (GRCh38, 1-based): chr12:52,492,676, G>T on the plus strand (C>A on the coding strand, the complement: KRT6A is on the minus strand). VCF-style: chr12-52492676-G-T. GRCh37 (hg19) VCF-style: chr12-52886460-G-T.
Other names: short protein forms N171K.
Identifiers: ClinVar variation 66589 (VCV000066589.6), dbSNP rs59685571, ClinGen allele CA217356.

ClinVar aggregate classification (germline): Pathogenic. Review status: criteria provided, multiple submitters, no conflicts (2 of 4 stars). 6 submissions from 6 submitters: Pathogenic (3). 3 of the submissions do not count toward it. Last evaluated 2021-07-16.

Conditions:
KRT6A-related disorders.
Pachyonychia congenita 3 (PC3). Also called: KRT6A-Related Pachyonychia Congenita; PC-K6a. Identifiers: Orphanet 2309, MedGen C3714948, MONDO:0014324, OMIM 615726.

Submissions (6):

Fulgent Genetics
Classification: Pathogenic for Pachyonychia congenita 3. Last evaluated: 2021-07-16. Review status: criteria provided, single submitter. Criteria: ACMG Guidelines, 2015. Collection method: clinical testing. Allele origin: unknown.

Blueprint Genetics
Classification: Pathogenic for KRT6A-related disorders. Last evaluated: 2019-02-21. Review status: criteria provided, single submitter. Criteria: ACMG Guidelines, 2015. Collection method: clinical testing. Allele origin: germline. Affected: yes. Observed: 1 variant allele.

GeneDx
Classification: Pathogenic. Last evaluated: 2016-03-02. Review status: criteria provided, single submitter. Criteria: GeneDx Variant Classification (06012015). Collection method: clinical testing. Allele origin: germline. Affected: yes.
Comment: The N171K variant has been published previously in association with pachyonychia congenita (Wilson et al., 2011; Lin et al., 19999; Smith et al., 2001; Smith et al., 2005). It was not observed in approximately 6,500 individuals of European and African American ancestry in the NHLBI Exome Sequencing Project, indicating it is not a common benign variant in these populations. N171K is a semi-conservative amino acid substitution, which may impact secondary protein structure as these residues differ in some properties. This substitution occurs within a known mutational hotspot region (helix initiation motif) that is highly conserved across all species and among all members of the keratin family. Many other pathogenic variants in patients with pachyonychia congenita have been reported at the same codon (N171Y,/T/S/D) and in nearby residues (Q166P, I167S/N, L170F, F174V, ) according to the Human Gene Mutation Database (Stenson et al., 2014). It is well established that keratin gene mutations affecting the residues at the ends of the central rod domains of the keratin proteins (helix initiation and termination motifs) interfere with proper keratin intermediate filament assembly and function, resulting in hyperkeratosis (Chamcheu et al., 2011). Therefore, we consider N171K to be pathogenic.

OMIM
Classification: Pathogenic for PACHYONYCHIA CONGENITA 3. Last evaluated: 2005-10-01. Review status: no assertion criteria provided. Collection method: literature only. Allele origin: germline. Not counted in ClinVar's aggregate classification.

Epithelial Biology;  Institute of Medical Biology, Singapore
No classification provided. Review status: no classification provided. Collection method: not provided. Allele origin: not provided. Not counted in ClinVar's aggregate classification.

GeneReviews
No classification provided. Condition: Pachyonychia congenita 3. Review status: no classification provided. Collection method: literature only. Allele origin: germline. Affected: yes. Not counted in ClinVar's aggregate classification.

Literature cited by the submitters: PubMed 16250206 (cited by OMIM); NCBI Bookshelf NBK1280 (cited by GeneReviews).